The following is an entry in ClinVar:

ClinVar aggregate classification (germline): Conflicting classifications of pathogenicity. Review status: criteria provided, conflicting classifications (1 of 4 stars). 10 submissions from 8 submitters: Uncertain significance (1); Likely benign (9). Last evaluated 2026-01-23.

Conditions:
Acute febrile neutrophilic dermatosis (AFND). Also called: Sweet Syndrome; Gomm Button disease. Identifiers: Orphanet 3243, MedGen C0085077, MONDO:0011959, OMIM 608068.
Familial Mediterranean fever (FMF). Also called: POLYSEROSITIS, FAMILIAL PAROXYSMAL; POLYSEROSITIS, RECURRENT; Periodic peritonitis; Benign paroxysmal peritonitis. Identifiers: Orphanet 342, MedGen C0031069, MONDO:0018088, OMIM 249100. Disease mechanism: gain of function.
Familial Mediterranean fever, autosomal dominant. Also called: FMF, AUTOSOMAL DOMINANT; Dominant Familial Mediterranean Fever. Identifiers: Orphanet 342, MedGen C1851347, MONDO:0007601, OMIM 134610.
Inborn genetic diseases. Identifiers: MedGen C0950123, MeSH D030342.

gnomAD v4.1: 58 of 1,608,436 alleles (0.0036%); highest among the groups gnomAD compares: Admixed American, 0.07%; no homozygotes.

Submissions (10):

Women's Health and Genetics/Laboratory Corporation of America, LabCorp
Classification: Likely benign. Last evaluated: 2026-01-23. Review status: criteria provided, single submitter. Criteria: LabCorp Variant Classification Summary - May 2015. Collection method: clinical testing. Allele origin: germline.

Labcorp Genetics (formerly Invitae), Labcorp
Classification: Likely benign for Familial Mediterranean fever. Last evaluated: 2026-01-07. Review status: criteria provided, single submitter. Criteria: Invitae Variant Classification Sherloc (09022015). Collection method: clinical testing. Allele origin: germline.

Blueprint Genetics
Classification: Likely benign. Last evaluated: 2023-09-08. Review status: criteria provided, single submitter. Criteria: ACMG Guidelines, 2015. Collection method: clinical testing. Allele origin: germline.

ARUP Laboratories, Molecular Genetics and Genomics, ARUP Laboratories
Classification: Likely benign. Last evaluated: 2023-03-06. Review status: criteria provided, single submitter. Criteria: ARUP Molecular Germline Variant Investigation Process 2024. Collection method: clinical testing. Allele origin: germline.

Ambry Genetics
Classification: Likely benign for Inborn genetic diseases. Last evaluated: 2023-03-03. Review status: criteria provided, single submitter. Criteria: Ambry Variant Classification Scheme 2023. Collection method: clinical testing. Allele origin: germline.

Genome-Nilou Lab
Classification: Uncertain significance for Familial Mediterranean fever. Last evaluated: 2023-02-08. Review status: criteria provided, single submitter. Criteria: ACMG Guidelines, 2015. Collection method: clinical testing. Allele origin: germline.

Genome-Nilou Lab
Classification: Likely benign for Familial Mediterranean fever, autosomal dominant. Last evaluated: 2023-02-08. Review status: criteria provided, single submitter. Criteria: ACMG Guidelines, 2015. Collection method: clinical testing. Allele origin: germline.

Genome-Nilou Lab
Classification: Likely benign for Acute febrile neutrophilic dermatosis. Last evaluated: 2023-02-08. Review status: criteria provided, single submitter. Criteria: ACMG Guidelines, 2015. Collection method: clinical testing. Allele origin: germline.

Fulgent Genetics
Classification: Likely benign for Familial Mediterranean fever, autosomal dominant; Familial Mediterranean fever; Acute febrile neutrophilic dermatosis. Last evaluated: 2021-12-07. Review status: criteria provided, single submitter. Criteria: ACMG Guidelines, 2015. Collection method: clinical testing. Allele origin: unknown.

GeneDx
Classification: Likely benign. Last evaluated: 2018-06-06. Review status: criteria provided, single submitter. Criteria: GeneDx Variant Classification (06012015). Collection method: clinical testing. Allele origin: germline. Affected: yes.
Comment: This variant is considered likely benign or benign based on one or more of the following criteria: it is a conservative change, it occurs at a poorly conserved position in the protein, it is predicted to be benign by multiple in silico algorithms, and/or has population frequency not consistent with disease.

NM_000243.3(MEFV):c.414A>T (p.Gly138=)

Gene: MEFV (MEFV innate immunity regulator, pyrin; minus strand). Cytogenetic location: 16p13.3.
Variant type: single nucleotide variant.
Coding change: c.414A>T on transcript NM_000243.3 (MANE Select); coding-DNA position 414, A replaced by T.
Protein change: p.Gly138=; no amino-acid change (glycine 138 retained).
Molecular consequence: synonymous variant. On other transcripts: intron variant (1).
Genome position (GRCh38, 1-based): chr16:3,254,654, T>A on the plus strand (A>T on the coding strand, the complement: MEFV is on the minus strand). VCF-style: chr16-3254654-T-A. GRCh37 (hg19) VCF-style: chr16-3304654-T-A.
Other names: c.277+1657A>T (NM_001198536.2).
Identifiers: ClinVar variation 670052 (VCV000670052.17), dbSNP rs224224, ClinGen allele CA7860432.